The following is an entry in ClinVar:

ClinVar aggregate classification (germline): Likely benign (1 of 4 stars; one submission).

Allele frequency attached by ClinVar (database versions not stated): gnomAD 0.00003.
gnomAD v4.1: 91 of 1,613,944 alleles (0.0056%); highest among the groups gnomAD compares: Admixed American, 0.022%; no homozygotes.

Submission:

CeGaT Center for Human Genetics Tuebingen
Classification: Likely benign. Last evaluated: 2023-12-01. Review status: criteria provided, single submitter. Criteria: CeGaT Center For Human Genetics Tuebingen Variant Classification Criteria Version 2. Collection method: clinical testing. Allele origin: germline. Affected: yes. Observed: 1 variant allele.
Comment: NUMA1: BP4

NM_006185.4(NUMA1):c.1505C>G (p.Ser502Cys)

Genes: NUMA1 (nuclear mitotic apparatus protein 1; minus strand), NUMA1-AS1 (NUMA1 antisense RNA 1; plus strand). Cytogenetic location: 11q13.4.
Variant type: single nucleotide variant.
Coding change: c.1505C>G on transcript NM_006185.4 (MANE Select); coding-DNA position 1505, C replaced by G.
Protein change: p.Ser502Cys; replaces serine 502 with cysteine.
Molecular consequence: missense variant.
Genome position (GRCh38, 1-based): chr11:72,015,998, G>C on the plus strand (C>G on the coding strand, the complement: NUMA1 is on the minus strand). VCF-style: chr11-72015998-G-C. GRCh37 (hg19) VCF-style: chr11-71727044-G-C.
Other names: c.1505C>G, p.Ser502Cys (NM_001286561.2); short protein forms S502C.
Identifiers: ClinVar variation 3026150 (VCV003026150.22), dbSNP rs544106676, ClinGen allele CA6167594.